The following is an entry in ClinVar:

ClinVar aggregate classification (germline): Conflicting classifications of pathogenicity. Review status: criteria provided, conflicting classifications (1 of 4 stars). 9 submissions from 9 submitters: Uncertain significance (3); Likely benign (4). 2 of the submissions do not count toward it. Last evaluated 2026-05-08.

Conditions:
PROP1-related disorder. Also called: PROP1-related condition.
Pituitary hormone deficiency, combined, 2. Also called: PROP1-Related Combined Pituitary Hormone Deficiency; ATELIOTIC DWARFISM WITH HYPOGONADISM; HANHART DWARFISM; PITUITARY DWARFISM III. Identifiers: MedGen C0878683, MONDO:0009878, OMIM 262600.

Allele frequency attached by ClinVar (database versions not stated): 1000 Genomes Project 0.00100; gnomAD 0.00123 and 0.00124; 1000 Genomes Project 30x 0.00141; TOPMed 0.00142; ESP Exome Variant Server 0.00215.
gnomAD v4.1: 2,123 of 1,613,826 alleles (0.13%); highest among the groups gnomAD compares: Non-Finnish European, 0.14%; 6 homozygotes.

Submissions (9):

Women's Health and Genetics/Laboratory Corporation of America, LabCorp
Classification: Likely benign. Last evaluated: 2026-05-08. Review status: criteria provided, single submitter. Criteria: LabCorp Variant Classification Summary - May 2015. Collection method: clinical testing. Allele origin: germline.

Labcorp Genetics (formerly Invitae), Labcorp
Classification: Likely benign. Last evaluated: 2026-01-26. Review status: criteria provided, single submitter. Criteria: Invitae Variant Classification Sherloc (09022015). Collection method: clinical testing. Allele origin: germline.

CeGaT Center for Human Genetics Tuebingen
Classification: Likely benign. Last evaluated: 2026-01-01. Review status: criteria provided, single submitter. Criteria: CeGaT Center For Human Genetics Tuebingen Variant Classification Criteria Version 2. Collection method: clinical testing. Allele origin: germline. Affected: yes. Observed: 2 variant alleles.
Comment: PROP1: BP4, BP7

Blueprint Genetics
Classification: Likely benign. Last evaluated: 2024-11-26. Review status: criteria provided, single submitter. Criteria: ACMG Guidelines, 2015. Collection method: clinical testing. Allele origin: germline.

Eurofins Ntd Llc (ga)
Classification: Uncertain significance. Last evaluated: 2018-03-30. Review status: criteria provided, single submitter. Criteria: EGL ClinVar v180209 classification definitions. Collection method: clinical testing. Allele origin: germline. Observed: 3 variant alleles, 3 heterozygotes.

Illumina Laboratory Services, Illumina
Classification: Uncertain significance for Pituitary hormone deficiency, combined, 2. Last evaluated: 2017-04-27. Review status: criteria provided, single submitter. Criteria: ICSL Variant Classification Criteria 13 December 2019. Collection method: clinical testing. Allele origin: germline.

Genetic Services Laboratory, University of Chicago
Classification: Uncertain significance. Last evaluated: 2016-11-07. Review status: criteria provided, single submitter. Criteria: ACMG Guidelines, 2015. Collection method: clinical testing. Allele origin: germline. Affected: no.

Natera, Inc.
Classification: Likely benign for Combined pituitary hormone deficiency type 2. Last evaluated: 2020-09-16. Review status: no assertion criteria provided. Collection method: clinical testing. Allele origin: germline. Not counted in ClinVar's aggregate classification.

PreventionGenetics, part of Exact Sciences
Classification: Likely benign for PROP1-related condition. Last evaluated: 2019-05-13. Review status: no assertion criteria provided. Collection method: clinical testing. Allele origin: germline. Not counted in ClinVar's aggregate classification.
Comment: This variant is classified as likely benign based on ACMG/AMP sequence variant interpretation guidelines (Richards et al. 2015 PMID: 25741868, with internal and published modifications).

Literature cited by the submitters: PubMed 16735499 (cited by Women's Health and Genetics/Laboratory Corporation of America, LabCorp).

NM_006261.5(PROP1):c.471C>T (p.Tyr157=)

Gene: PROP1 (PROP paired-like homeobox 1; minus strand). Cytogenetic location: 5q35.3.
Variant type: single nucleotide variant.
Coding change: c.471C>T on transcript NM_006261.5 (MANE Select); coding-DNA position 471, C replaced by T.
Protein change: p.Tyr157=; no amino-acid change (tyrosine 157 retained).
Molecular consequence: synonymous variant.
Genome position (GRCh38, 1-based): chr5:177,992,919, G>A on the plus strand (C>T on the coding strand, the complement: PROP1 is on the minus strand). VCF-style: chr5-177992919-G-A. GRCh37 (hg19) VCF-style: chr5-177419920-G-A.
Identifiers: ClinVar variation 286283 (VCV000286283.38), dbSNP rs145883811, ClinGen allele CA3587519.